The following is an entry in ClinVar:

GRCh38/hg38 5q13.2(chr5:70951942-71291192)x1

Genes: GTF2H2 (general transcription factor IIH subunit 2; minus strand), NAIP (NLR family apoptosis inhibitory protein), SMN1 (survival of motor neuron 1, telomeric), SNORD13B-2 (small nucleolar RNA, C/D box 13B-2; plus strand), LOC111089946 (NAIP promoter region). Cytogenetic location: 5q13.2.
Variant type: copy number loss.
Change: copy number 1 (one copy instead of two) of chr5:70,951,942-71,291,192 (339.3 kb, GRCh38 coordinates, 1-based), cytogenetic band 5q13.2.
Identifiers: ClinVar variation 150951 (VCV000150951.2).

ClinVar aggregate classification (germline): Benign/Likely benign (0 of 4 stars; one submission).

Submission:

ISCA site 4
Classification: Benign/Likely benign. Last evaluated: 2012-09-21. Review status: no assertion criteria provided. Collection method: clinical testing. Allele origin: unknown. Affected: yes. Observed: 2 variant alleles.
Comment: Likely benign (1), Benign (1)

Copy number variation identified through the course of routine clinical cytogenomic testing in postnatal populations, with clinical assertions as classified by the original submitter.